The following is an entry in ClinVar:

ClinVar aggregate classification (germline): Uncertain significance (1 of 4 stars; one submission).

Conditions:
Arginine:glycine amidinotransferase deficiency (CCDS3). Also called: AGAT deficiency; Cerebral creatine deficiency syndrome 3; L-Arginine:Glycine Amidinotransferase Deficiency; Creatine deficiency syndrome due to AGAT deficiency; GATM deficiency; L-Arginine:Glycine Amidinotransferase (AGAT) Deficiency. Identifiers: Orphanet 35704, MedGen C2675179, MONDO:0012996, OMIM 612718.

Submission:

Labcorp Genetics (formerly Invitae), Labcorp
Classification: Uncertain significance for Arginine:glycine amidinotransferase deficiency. Last evaluated: 2020-10-20. Review status: criteria provided, single submitter. Criteria: Invitae Variant Classification Sherloc (09022015). Collection method: clinical testing. Allele origin: germline.
Comment: Algorithms developed to predict the effect of missense changes on protein structure and function are either unavailable or do not agree on the potential impact of this missense change (SIFT: "Deleterious"; PolyPhen-2: "Probably Damaging"; Align-GVGD: "Class C0"). This variant has not been reported in the literature in individuals with GATM-related conditions. This variant is not present in population databases (ExAC no frequency). This sequence change replaces proline with serine at codon 216 of the GATM protein (p.Pro216Ser). The proline residue is highly conserved and there is a moderate physicochemical difference between proline and serine. In summary, the available evidence is currently insufficient to determine the role of this variant in disease. Therefore, it has been classified as a Variant of Uncertain Significance.

NM_001482.3(GATM):c.646C>T (p.Pro216Ser)

Gene: GATM (glycine amidinotransferase; minus strand). Cytogenetic location: 15q21.1.
Variant type: single nucleotide variant.
Coding change: c.646C>T on transcript NM_001482.3 (MANE Select); coding-DNA position 646, C replaced by T.
Protein change: p.Pro216Ser; replaces proline 216 with serine.
Molecular consequence: missense variant.
Genome position (GRCh38, 1-based): chr15:45,368,099, G>A on the plus strand (C>T on the coding strand, the complement: GATM is on the minus strand). VCF-style: chr15-45368099-G-A. GRCh37 (hg19) VCF-style: chr15-45660297-G-A.
Other names: c.259C>T, p.Pro87Ser (NM_001321015.2); short protein forms P216S, P87S.
Identifiers: ClinVar variation 1063742 (VCV001063742.9), dbSNP rs2140644628, ClinGen allele CA392260601.